The following is an entry in ClinVar:

NM_001042472.3(ABHD12):c.335T>C (p.Ile112Thr)

Gene: ABHD12 (abhydrolase domain containing 12, lysophospholipase; minus strand). Cytogenetic location: 20p11.21.
Variant type: single nucleotide variant.
Coding change: c.335T>C on transcript NM_001042472.3 (MANE Select); coding-DNA position 335, T replaced by C.
Protein change: p.Ile112Thr; replaces isoleucine 112 with threonine.
Molecular consequence: missense variant.
Genome position (GRCh38, 1-based): chr20:25,323,412, A>G on the plus strand (T>C on the coding strand, the complement: ABHD12 is on the minus strand). VCF-style: chr20-25323412-A-G. GRCh37 (hg19) VCF-style: chr20-25304048-A-G.
Other names: c.335T>C, p.Ile112Thr (NM_015600.5); short protein forms I112T.
Identifiers: ClinVar variation 1450887 (VCV001450887.6), dbSNP rs2145980335, ClinGen allele CA408444963.

ClinVar aggregate classification (germline): Uncertain significance (1 of 4 stars; one submission).

Submission:

Labcorp Genetics (formerly Invitae), Labcorp
Classification: Uncertain significance. Last evaluated: 2022-03-02. Review status: criteria provided, single submitter. Criteria: Invitae Variant Classification Sherloc (09022015). Collection method: clinical testing. Allele origin: germline.
Comment: In summary, the available evidence is currently insufficient to determine the role of this variant in disease. Therefore, it has been classified as a Variant of Uncertain Significance. Algorithms developed to predict the effect of missense changes on protein structure and function (SIFT, PolyPhen-2, Align-GVGD) all suggest that this variant is likely to be tolerated. This variant has not been reported in the literature in individuals affected with ABHD12-related conditions. This variant is not present in population databases (gnomAD no frequency). This sequence change replaces isoleucine, which is neutral and non-polar, with threonine, which is neutral and polar, at codon 112 of the ABHD12 protein (p.Ile112Thr).